The following is an entry in ClinVar:

ClinVar aggregate classification (germline): Uncertain significance (1 of 4 stars; one submission).

Conditions:
Cardiovascular phenotype. Identifiers: MedGen CN230736.

Submission:

Ambry Genetics
Classification: Uncertain significance for Cardiovascular phenotype. Last evaluated: 2023-01-13. Review status: criteria provided, single submitter. Criteria: Ambry Variant Classification Scheme 2023. Collection method: clinical testing. Allele origin: germline.
Comment: The c.70878A>T variant (also known as p.G23626G) is located in coding exon 178 of the TTN gene. This variant results from an A to T substitution at nucleotide position 70878. This nucleotide substitution does not change the glycine at codon 23626. This nucleotide position is highly conserved in available vertebrate species. In silico splice site analysis predicts that this alteration may weaken the native splice donor site and will result in the creation or strengthening of a novel splice donor site. Since supporting evidence is limited at this time, the clinical significance of this alteration remains unclear.

NM_001267550.2(TTN):c.98073A>T (p.Gly32691=)

Genes: TTN (titin; minus strand), TTN-AS1 (TTN antisense RNA 1; plus strand). Cytogenetic location: 2q31.2.
Variant type: single nucleotide variant.
Coding change: c.98073A>T on transcript NM_001267550.2 (MANE Select); coding-DNA position 98073, A replaced by T.
Protein change: p.Gly32691=; no amino-acid change (glycine 32691 retained).
Molecular consequence: synonymous variant.
Genome position (GRCh38, 1-based): chr2:178,540,093, T>A on the plus strand (A>T on the coding strand, the complement: TTN is on the minus strand). VCF-style: chr2-178540093-T-A. GRCh37 (hg19) VCF-style: chr2-179404820-T-A.
Other names: c.93150A>T, p.Gly31050= (NM_001256850.1); c.70878A>T, p.Gly23626= (NM_003319.4); c.90369A>T, p.Gly30123= (NM_133378.4); c.71253A>T, p.Gly23751= (NM_133432.3); c.71454A>T, p.Gly23818= (NM_133437.4).
Identifiers: ClinVar variation 2451894 (VCV002451894.2), dbSNP rs2468791318, ClinGen allele CA430240636.